The following is an entry in ClinVar:

ClinVar aggregate classification (germline): Uncertain significance (1 of 4 stars; one submission).

Conditions:
Hypertrophic cardiomyopathy. Also called: HYPERTROPHIC MYOCARDIOPATHY. Identifiers: Orphanet 217569, MedGen C0007194, MeSH D002312, MONDO:0005045, HP:0001639.

Allele frequency attached by ClinVar (database versions not stated): gnomAD exomes below 0.00001; TOPMed below 0.00001.
gnomAD v4.1: 1 of 1,595,772 alleles (0.000063%); highest among the groups gnomAD compares: African/African-American, 0.0013%; no homozygotes.

Submission:

Labcorp Genetics (formerly Invitae), Labcorp
Classification: Uncertain significance for Hypertrophic cardiomyopathy. Last evaluated: 2023-12-18. Review status: criteria provided, single submitter. Criteria: Invitae Variant Classification Sherloc (09022015). Collection method: clinical testing. Allele origin: germline.
Comment: This sequence change replaces threonine, which is neutral and polar, with alanine, which is neutral and non-polar, at codon 336 of the MYOM1 protein (p.Thr336Ala). This variant is not present in population databases (gnomAD no frequency). This variant has not been reported in the literature in individuals affected with MYOM1-related conditions. Advanced modeling of protein sequence and biophysical properties (such as structural, functional, and spatial information, amino acid conservation, physicochemical variation, residue mobility, and thermodynamic stability) performed at Invitae indicates that this missense variant is not expected to disrupt MYOM1 protein function with a negative predictive value of 80%. In summary, the available evidence is currently insufficient to determine the role of this variant in disease. Therefore, it has been classified as a Variant of Uncertain Significance.

NM_003803.4(MYOM1):c.1006A>G (p.Thr336Ala)

Gene: MYOM1 (myomesin 1; minus strand). Cytogenetic location: 18p11.31.
Variant type: single nucleotide variant.
Coding change: c.1006A>G on transcript NM_003803.4 (MANE Select); coding-DNA position 1006, A replaced by G.
Protein change: p.Thr336Ala; replaces threonine 336 with alanine.
Molecular consequence: missense variant.
Genome position (GRCh38, 1-based): chr18:3,176,058, T>C on the plus strand (A>G on the coding strand, the complement: MYOM1 is on the minus strand). VCF-style: chr18-3176058-T-C. GRCh37 (hg19) VCF-style: chr18-3176056-T-C.
Other names: c.1006A>G, p.Thr336Ala (NM_019856.2); short protein forms T336A.
Identifiers: ClinVar variation 2703890 (VCV002703890.3), dbSNP rs2080635358, ClinGen allele CA401715846.
Genomic context (GRCh38, chr18:3,176,058, plus strand): 5'-CCTGAGCAATGGTGAGCAACACATGGACACTAATGTTCTCTTACCCATTAATCTCCAGAG[T>C]GTGCATCCCATATCGACTCTCAATAATATACTTTCCAGGGTTTGCATGGACATTTATTGG-3'
Protein context (NP_003794.3, residues 326-346): YIIESRYGMH[Thr336Ala]LEINGCDFED